The following is an entry in ClinVar:

NM_152296.5(ATP1A3):c.641C>A (p.Pro214His)

Gene: ATP1A3 (ATPase Na+/K+ transporting subunit alpha 3; minus strand). Cytogenetic location: 19q13.2.
Variant type: single nucleotide variant.
Coding change: c.641C>A on transcript NM_152296.5 (MANE Select); coding-DNA position 641, C replaced by A.
Protein change: p.Pro214His; replaces proline 214 with histidine.
Molecular consequence: missense variant.
Genome position (GRCh38, 1-based): chr19:41,985,389, G>T on the plus strand (C>A on the coding strand, the complement: ATP1A3 is on the minus strand). VCF-style: chr19-41985389-G-T. GRCh37 (hg19) VCF-style: chr19-42489541-G-T.
Other names: c.674C>A, p.Pro225His (NM_001256213.2); c.680C>A, p.Pro227His (NM_001256214.2); short protein forms P214H, P225H, P227H.
Identifiers: ClinVar variation 4811267 (VCV004811267.1).
Genomic context (GRCh38, chr19:41,985,389, plus strand): 5'-AAGGTGATGTTCCGAGTCTCCAAGGGGTTGTCGTGAGTGCAGTCGGGAGAGCGAGTCTGG[G>T]GCTCGGATTCGCCAGTCAGGGAGGAGTTGTCCACCTGGGGGTAGGTGCAGCAGAGAGAGG-3'
Protein context (NP_689509.1, residues 204-224): DNSSLTGESE[Pro214His]QTRSPDCTHD

ClinVar aggregate classification (germline): Uncertain significance (1 of 4 stars; one submission).

Conditions:
Dystonia 12 (DYT12). Also called: DYT-ATP1A3; Rapid-Onset Dystonia-Parkinsonism (RDP). Identifiers: Orphanet 71517, MedGen C1868681, MONDO:0007496, OMIM 128235.

Submission:

Labcorp Genetics (formerly Invitae), Labcorp
Classification: Uncertain significance for Dystonia 12. Last evaluated: 2025-06-09. Review status: criteria provided, single submitter. Criteria: Invitae Variant Classification Sherloc (09022015). Collection method: clinical testing. Allele origin: germline.
Comment: This sequence change replaces proline, which is neutral and non-polar, with histidine, which is basic and polar, at codon 214 of the ATP1A3 protein (p.Pro214His). This variant is not present in population databases (gnomAD no frequency). This variant has not been reported in the literature in individuals affected with ATP1A3-related conditions. Invitae Evidence Modeling of protein sequence and biophysical properties (such as structural, functional, and spatial information, amino acid conservation, physicochemical variation, residue mobility, and thermodynamic stability) indicates that this missense variant is expected to disrupt ATP1A3 protein function with a positive predictive value of 95%. In summary, the available evidence is currently insufficient to determine the role of this variant in disease. Therefore, it has been classified as a Variant of Uncertain Significance.